The following is an entry in ClinVar:

ClinVar aggregate classification (germline): Benign. Review status: criteria provided, single submitter (1 of 4 stars). 2 submissions from 2 submitters: Benign (1). 1 of the submissions does not count toward it. Last evaluated 2025-10-12.

Conditions:
XIAP-related disorder. Also called: XIAP-related condition.
X-linked lymphoproliferative disease due to XIAP deficiency. Also called: XIAP-Related Lymphoproliferative Disease, X-Linked; XIAP DEFICIENCY. Identifiers: Orphanet 2442, Orphanet 538934, MedGen C1845076, MONDO:0010385, OMIM 300635.

Allele frequency attached by ClinVar (database versions not stated): ExAC 0.00003; gnomAD 0.00003 and 0.00004; gnomAD exomes 0.00004 and 0.00007; TOPMed 0.00004.
gnomAD v4.1: 77 of 1,193,850 alleles (0.0064%); highest among the groups gnomAD compares: Non-Finnish European, 0.0083%; no homozygotes.

Submissions (2):

Labcorp Genetics (formerly Invitae), Labcorp
Classification: Benign for X-linked lymphoproliferative disease due to XIAP deficiency. Last evaluated: 2025-10-12. Review status: criteria provided, single submitter. Criteria: Invitae Variant Classification Sherloc (09022015). Collection method: clinical testing. Allele origin: germline.

PreventionGenetics, part of Exact Sciences
Classification: Likely benign for XIAP-related condition. Last evaluated: 2019-03-29. Review status: no assertion criteria provided. Collection method: clinical testing. Allele origin: germline. Not counted in ClinVar's aggregate classification.
Comment: This variant is classified as likely benign based on ACMG/AMP sequence variant interpretation guidelines (Richards et al. 2015 PMID: 25741868, with internal and published modifications).

NM_001167.4(XIAP):c.1057-7G>A

Gene: XIAP (X-linked inhibitor of apoptosis; plus strand). Cytogenetic location: Xq25.
Variant type: single nucleotide variant.
Coding change: c.1057-7G>A on transcript NM_001167.4 (MANE Select); 7 bases into the intron before coding-DNA position 1057, G replaced by A.
Molecular consequence: intron variant.
Genome position (GRCh38, 1-based): chrX:123,892,724, G>A. VCF-style: chrX-123892724-G-A. GRCh37 (hg19) VCF-style: chrX-123026574-G-A.
Other names: c.1057-7G>A (NM_001378592.1, NM_001378591.1, NM_001204401.2 and 1 more transcripts).
Identifiers: ClinVar variation 754749 (VCV000754749.12), dbSNP rs753427928, ClinGen allele CA10508116.
Genomic context (GRCh38, chrX:123,892,724, plus strand): 5'-TTTTCAAATGGAAATGATTGCCTCTACCAAAAATAATTCTAACTTACAGTTCCTATTTCT[G>A]TTACAGGTAAGAACTACTGAGAAAACACCATCACTAACTAGAAGAATTGGTAAATATGCT-3'